The following is an entry in ClinVar:

NM_174936.4(PCSK9):c.1645C>T (p.Arg549Cys)

Gene: PCSK9 (proprotein convertase subtilisin/kexin type 9; plus strand). Cytogenetic location: 1p32.3.
Variant type: single nucleotide variant.
Coding change: c.1645C>T on transcript NM_174936.4 (MANE Select); coding-DNA position 1645, C replaced by T.
Protein change: p.Arg549Cys; replaces arginine 549 with cysteine.
Molecular consequence: missense variant.
Genome position (GRCh38, 1-based): chr1:55,059,627, C>T. VCF-style: chr1-55059627-C-T. GRCh37 (hg19) VCF-style: chr1-55525300-C-T.
Other names: c.1768C>T, p.Arg590Cys (NM_001407240.1); c.1687C>T, p.Arg563Cys (NM_001407241.1); c.1648C>T, p.Arg550Cys (NM_001407242.1); c.1588C>T, p.Arg530Cys (NM_001407243.1); c.1471C>T, p.Arg491Cys (NM_001407244.1); c.1453C>T, p.Arg485Cys (NM_001407245.1); c.1270C>T, p.Arg424Cys (NM_001407246.1); short protein forms R549C, R563C, R590C, R491C, R530C, R550C, R424C, R485C.
Identifiers: ClinVar variation 924577 (VCV000924577.11), dbSNP rs763298843, ClinGen allele CA038220.
Genomic context (GRCh38, chr1:55,059,627, plus strand): 5'-CTACCCCAGGCCAACTGCAGCGTCCACACAGCTCCACCAGCTGAGGCCAGCATGGGGACC[C>T]GTGTCCACTGCCACCAACAGGGCCACGTCCTCACAGGTAGGAGGCTGGGCTTGCCCTGGG-3'
Protein context (NP_777596.2, residues 539-559): APPAEASMGT[Arg549Cys]VHCHQQGHVL

ClinVar aggregate classification (germline): Uncertain significance. Review status: criteria provided, multiple submitters, no conflicts (2 of 4 stars). 4 submissions from 4 submitters: Uncertain significance (4). Last evaluated 2026-09-11.

Conditions:
Hypercholesterolemia, autosomal dominant, 3 (FHCL3). Also called: Familial Hypercholesterolemia, Autosomal Dominant, 3; PCSK9-Related Familial Hypercholesterolemia, Autosomal Dominant; Familial hypercholesterolemia 3. Identifiers: MedGen C1863551, MONDO:0011369, OMIM 603776.
Cardiovascular phenotype. Identifiers: MedGen CN230736.
Familial hypercholesterolemia. Also called: Familial hypercholesterolemias; Familial hypercholesterolaemia. Identifiers: MedGen C0020445, MONDO:0005439.

Allele frequency attached by ClinVar (database versions not stated): gnomAD 0.00001; gnomAD exomes 0.00001; ExAC below 0.00001.

Submissions (4):

Ambry Genetics
Classification: Uncertain significance for Cardiovascular phenotype. Last evaluated: 2026-09-11. Review status: criteria provided, single submitter. Criteria: Ambry Variant Classification Scheme 2023. Collection method: clinical testing. Allele origin: germline.
Comment: The p.R549C variant (also known as c.1645C>T), located in coding exon 10 of the PCSK9 gene, results from a C to T substitution at nucleotide position 1645. The arginine at codon 549 is replaced by cysteine, an amino acid with highly dissimilar properties. This amino acid position is conserved. In addition, this alteration is predicted to be tolerated by in silico analysis. Based on the available evidence, the clinical significance of this variant remains unclear.

ARUP Laboratories, Molecular Genetics and Genomics, ARUP Laboratories
Classification: Uncertain significance. Last evaluated: 2024-06-12. Review status: criteria provided, single submitter. Criteria: ARUP Molecular Germline Variant Investigation Process 2024. Collection method: clinical testing. Allele origin: germline.
Comment: The PCSK9 c.1645C>T; p.Arg549Cys variant (rs763298843), to our knowledge, is not reported in the medical literature but is reported in ClinVar (Variation ID: 924577). This variant is only observed on one allele in the Genome Aggregation Database (v2.1.1), indicating it is not a common polymorphism. Computational analyses predict that this variant is neutral (REVEL: 0.145). However, given the lack of clinical and functional data, the significance of this variant is uncertain at this time.

All of Us Research Program, National Institutes of Health
Classification: Uncertain significance for Hypercholesterolemia, autosomal dominant, 3. Last evaluated: 2024-05-30. Review status: criteria provided, single submitter. Criteria: ACMG Guidelines, 2015. Collection method: clinical testing. Allele origin: germline. Inheritance: Autosomal dominant inheritance. Observed: 2 variant alleles, 2 heterozygotes.
Comment: This missense variant replaces arginine with cysteine at codon 549 of the PCSK9 protein. Computational prediction suggests that this variant may not impact protein structure and function (internally defined REVEL score threshold <= 0.5, PMID: 27666373). Splice site prediction tools suggest that this variant may not impact RNA splicing. To our knowledge, functional studies have not been performed for this variant. This variant has not been reported in individuals affected with familial hypercholesterolemia in the literature. This variant has been identified in 1/157246 chromosomes in the general population by the Genome Aggregation Database (gnomAD). The available evidence is insufficient to determine the role of this variant in disease conclusively. Therefore, this variant is classified as a Variant of Uncertain Significance.

This study involves interpretation of variants in research participants for the purpose of population health screening. Participant phenotype was not available at the time of variant classification. Additional details can be found in publication PMID: 35346344, PMCID: PMC8962531

Color Diagnostics, LLC DBA Color Health
Classification: Uncertain significance for Familial hypercholesterolemia. Last evaluated: 2024-03-06. Review status: criteria provided, single submitter. Criteria: ACMG Guidelines, 2015. Collection method: clinical testing. Allele origin: germline.
Comment: This missense variant replaces arginine with cysteine at codon 549 of the PCSK9 protein. Computational prediction suggests that this variant may not impact protein structure and function (internally defined REVEL score threshold <= 0.5, PMID: 27666373). Splice site prediction tools suggest that this variant may not impact RNA splicing. To our knowledge, functional studies have not been performed for this variant. This variant has not been reported in individuals affected with familial hypercholesterolemia in the literature. This variant has been identified in 1/157246 chromosomes in the general population by the Genome Aggregation Database (gnomAD). The available evidence is insufficient to determine the role of this variant in disease conclusively. Therefore, this variant is classified as a Variant of Uncertain Significance.